The following is an entry in ClinVar:

ClinVar aggregate classification (germline): Uncertain significance (1 of 4 stars; one submission).

Conditions:
MHC class I deficiency. Identifiers: Orphanet 34592, MedGen C6024714, MONDO:0011476.

Allele frequency attached by ClinVar (database versions not stated): ExAC 0.00002; TOPMed 0.00002; gnomAD 0.00004; 1000 Genomes Project 0.00020; 1000 Genomes Project 30x 0.00031.
gnomAD v4.1: 8 of 1,614,046 alleles (0.0005%); highest among the groups gnomAD compares: African/African-American, 0.0093%; no homozygotes.

Submission:

Labcorp Genetics (formerly Invitae), Labcorp
Classification: Uncertain significance for MHC class I deficiency 1. Last evaluated: 2023-08-17. Review status: criteria provided, single submitter. Criteria: Invitae Variant Classification Sherloc (09022015). Collection method: clinical testing. Allele origin: germline.
Comment: In summary, the available evidence is currently insufficient to determine the role of this variant in disease. Therefore, it has been classified as a Variant of Uncertain Significance. Algorithms developed to predict the effect of missense changes on protein structure and function output the following: SIFT: "Not Available"; PolyPhen-2: "Benign"; Align-GVGD: "Not Available". The arginine amino acid residue is found in multiple mammalian species, which suggests that this missense change does not adversely affect protein function. This variant has not been reported in the literature in individuals affected with TAPBP-related conditions. This variant is present in population databases (rs572408041, gnomAD 0.008%). This sequence change replaces proline, which is neutral and non-polar, with arginine, which is basic and polar, at codon 141 of the TAPBP protein (p.Pro141Arg).

NM_003190.5(TAPBP):c.422C>G (p.Pro141Arg)

Gene: TAPBP (TAP binding protein; minus strand). Cytogenetic location: 6p21.32.
Variant type: single nucleotide variant.
Coding change: c.422C>G on transcript NM_003190.5 (MANE Select); coding-DNA position 422, C replaced by G.
Protein change: p.Pro141Arg; replaces proline 141 with arginine.
Molecular consequence: missense variant. On other transcripts: intron variant (1).
Genome position (GRCh38, 1-based): chr6:33,313,264, G>C on the plus strand (C>G on the coding strand, the complement: TAPBP is on the minus strand). VCF-style: chr6-33313264-G-C. GRCh37 (hg19) VCF-style: chr6-33281041-G-C.
Other names: c.422C>G, p.Pro141Arg (NM_001410875.1, NM_172208.3); c.208+430C>G (NM_172209.3); short protein forms P141R.
Identifiers: ClinVar variation 2788704 (VCV002788704.3), dbSNP rs572408041, ClinGen allele CA3755898.
Genomic context (GRCh38, chr6:33,313,264, plus strand): 5'-CCTCCCCAGCTACCTGTTGCCATGGTGATGAGAACAGGCTCCTGCTGAGGCTCTGGCTGT[G>C]GTCGCAAGAGGCTGGAGAGGCTGAGGACTGGGCTGGATATGCTGACCATCAGCCAAGCCC-3'
Protein context (NP_003181.3, residues 131-151): PVLSLSSLLR[Pro141Arg]QPEPQQEPVL